The following is an entry in ClinVar:

NM_005802.5(TOPORS):c.1391A>G (p.Asn464Ser)

Gene: TOPORS (TOP1 binding arginine/serine rich protein, E3 ubiquitin ligase; minus strand). Cytogenetic location: 9p21.1.
Variant type: single nucleotide variant.
Coding change: c.1391A>G on transcript NM_005802.5 (MANE Select); coding-DNA position 1391, A replaced by G.
Protein change: p.Asn464Ser; replaces asparagine 464 with serine.
Molecular consequence: missense variant.
Genome position (GRCh38, 1-based): chr9:32,543,134, T>C on the plus strand (A>G on the coding strand, the complement: TOPORS is on the minus strand). VCF-style: chr9-32543134-T-C. GRCh37 (hg19) VCF-style: chr9-32543132-T-C.
Other names: c.1196A>G, p.Asn399Ser (NM_001195622.2); c.1391A>G (NM_005802.4); short protein forms N399S, N464S.
Identifiers: ClinVar variation 1418330 (VCV001418330.9), dbSNP rs148416446, ClinGen allele CA5020527.

ClinVar aggregate classification (germline): Uncertain significance. Review status: criteria provided, multiple submitters, no conflicts (2 of 4 stars). 2 submissions from 2 submitters: Uncertain significance (2). Last evaluated 2024-10-30.

Conditions:
TOPORS-related disorder. Also called: TOPORS-related condition.

Allele frequency attached by ClinVar (database versions not stated): ExAC 0.00001; gnomAD exomes 0.00002; TOPMed 0.00002; gnomAD 0.00003 and 0.00004; ESP Exome Variant Server 0.00008.
gnomAD v4.1: 33 of 1,613,986 alleles (0.002%); highest among the groups gnomAD compares: African/African-American, 0.0027%; no homozygotes.

Submissions (2):

PreventionGenetics, part of Exact Sciences
Classification: Uncertain significance for TOPORS-related condition. Last evaluated: 2024-10-30. Review status: criteria provided, single submitter. Criteria: ACMG Guidelines, 2015. Collection method: clinical testing. Allele origin: germline.
Comment: The TOPORS c.1391A>G variant is predicted to result in the amino acid substitution p.Asn464Ser. To our knowledge, this variant has not been reported in the literature. This variant is reported in 0.0040% of alleles in individuals of African descent in gnomAD. At this time, the clinical significance of this variant is uncertain due to the absence of conclusive functional and genetic evidence.

Labcorp Genetics (formerly Invitae), Labcorp
Classification: Uncertain significance. Last evaluated: 2024-04-12. Review status: criteria provided, single submitter. Criteria: Invitae Variant Classification Sherloc (09022015). Collection method: clinical testing. Allele origin: germline.
Comment: This sequence change replaces asparagine, which is neutral and polar, with serine, which is neutral and polar, at codon 464 of the TOPORS protein (p.Asn464Ser). This variant is present in population databases (rs148416446, gnomAD 0.004%). This variant has not been reported in the literature in individuals affected with TOPORS-related conditions. ClinVar contains an entry for this variant (Variation ID: 1418330). An algorithm developed to predict the effect of missense changes on protein structure and function (PolyPhen-2) suggests that this variant is likely to be tolerated. In summary, the available evidence is currently insufficient to determine the role of this variant in disease. Therefore, it has been classified as a Variant of Uncertain Significance.